The following is an entry in ClinVar:

NC_000023.10:g.(?_100651964)_(100653826_?)del

Genes: GLA (galactosidase alpha; minus strand), RPL36A-HNRNPH2 (RPL36A-HNRNPH2 readthrough; plus strand). Cytogenetic location: Xq22.1.
Variant type: Deletion.
Identifiers: ClinVar variation 2422512 (VCV002422512.3).

ClinVar aggregate classification (germline): Pathogenic (1 of 4 stars; one submission).

Conditions:
Fabry disease. Also called: Fabry's disease; ALPHA-GALACTOSIDASE A DEFICIENCY; ANDERSON-FABRY DISEASE; CERAMIDE TRIHEXOSIDASE DEFICIENCY; GLA DEFICIENCY; HEREDITARY DYSTOPIC LIPIDOSIS. Identifiers: Orphanet 324, MedGen C0002986, MONDO:0010526, OMIM 301500, HP:0001071. Disease mechanism: Fabry disease is due to inactivating mutations in the X-linked GLA gene resulting in deficiency of the enzyme Alpha Galactosidase-A., loss of function.

Submission:

Labcorp Genetics (formerly Invitae), Labcorp
Classification: Pathogenic for Fabry disease. Last evaluated: 2022-01-03. Review status: criteria provided, single submitter. Criteria: Invitae Variant Classification Sherloc (09022015). Collection method: clinical testing. Allele origin: germline.
Comment: For these reasons, this variant has been classified as Pathogenic. This variant disrupts a region of the GLA protein in which other variant(s) (p.Pro409Ser) have been determined to be pathogenic (PMID: 12428061, 28768754, 31392112; Invitae). This suggests that this is a clinically significant region of the protein, and that variants that disrupt it are likely to be disease-causing. This variant has not been reported in the literature in individuals affected with GLA-related conditions. This variant results in the deletion of part of exon 5 and exons 6-7 (c.748_*833delins147) of the GLA gene. While this deletion is not anticipated to lead to nonsense mediated decay, it is expected to alter mRNA translation or result in a truncated protein product.

Literature cited by the submitters: PubMed 12428061; PubMed 28768754; PubMed 31392112.